The following is an entry in ClinVar:

ClinVar aggregate classification (germline): Uncertain significance (1 of 4 stars; one submission).

Conditions:
Hereditary cancer-predisposing syndrome. Also called: Tumor predisposition; Neoplastic Syndromes, Hereditary; Hereditary Cancer Syndrome; Hereditary neoplastic syndrome. Identifiers: Orphanet 140162, MedGen C0027672, MeSH D009386, MONDO:0015356.

Submission:

Ambry Genetics
Classification: Uncertain significance for Hereditary cancer-predisposing syndrome. Last evaluated: 2021-10-20. Review status: criteria provided, single submitter. Criteria: Ambry Variant Classification Scheme 2023. Collection method: clinical testing. Allele origin: germline.
Comment: The p.V1078L variant (also known as c.3232G>T), located in coding exon 5 of the MSH6 gene, results from a G to T substitution at nucleotide position 3232. The valine at codon 1078 is replaced by leucine, an amino acid with highly similar properties. This alteration was detected in a patient with early-onset colorectal cancer whose tumor was microsatellite stable and had normal MSH6 expression by IHC (Djursby M et al. Front Genet, 2020 Sep;11:566266). This amino acid position is not well conserved in available vertebrate species. In addition, this alteration is predicted to be tolerated by in silico analysis. Since supporting evidence is limited at this time, the clinical significance of this alteration remains unclear.

Literature cited by the submitters: PubMed 33193653.

NM_000179.3(MSH6):c.3232G>T (p.Val1078Leu)

Gene: MSH6 (mutS homolog 6; plus strand). Cytogenetic location: 2p16.3.
Variant type: single nucleotide variant.
Coding change: c.3232G>T on transcript NM_000179.3 (MANE Select); coding-DNA position 3232, G replaced by T.
Protein change: p.Val1078Leu; replaces valine 1078 with leucine.
Molecular consequence: missense variant.
Genome position (GRCh38, 1-based): chr2:47,803,479, G>T. VCF-style: chr2-47803479-G-T. GRCh37 (hg19) VCF-style: chr2-48030618-G-T.
Other names: c.2935G>T, p.Val979Leu (NM_001406822.1, NM_001406824.1, NM_001406825.1 and 10 more transcripts); c.2326G>T, p.Val776Leu (NM_001406823.1, NM_001406829.1, NM_001281493.2 and 6 more transcripts); c.3064G>T, p.Val1022Leu (NM_001406826.1); c.13G>T, p.Val5Leu (NM_001406831.1); c.79G>T, p.Val27Leu (NM_001406832.1); c.1177G>T, p.Val393Leu (NM_001407362.1); c.2842G>T, p.Val948Leu (NM_001281492.2); c.3328G>T, p.Val1110Leu (NM_001406795.1, NM_001406802.1); and 6 more; short protein forms V393L, V790L, V1022L, V1052L, V5L, V1080L, V556L, V776L.
Identifiers: ClinVar variation 1729213 (VCV001729213.2), dbSNP rs587779932, ClinGen allele CA346758051.